The following is an entry in ClinVar:

NM_001009944.3(PKD1):c.3731C>A (p.Thr1244Asn)

Gene: PKD1 (polycystin 1, transient receptor potential channel interacting; minus strand). Cytogenetic location: 16p13.3.
Variant type: single nucleotide variant.
Coding change: c.3731C>A on transcript NM_001009944.3 (MANE Select); coding-DNA position 3731, C replaced by A.
Protein change: p.Thr1244Asn; replaces threonine 1244 with asparagine.
Molecular consequence: missense variant.
Genome position (GRCh38, 1-based): chr16:2,111,436, G>T on the plus strand (C>A on the coding strand, the complement: PKD1 is on the minus strand). VCF-style: chr16-2111436-G-T. GRCh37 (hg19) VCF-style: chr16-2161437-G-T.
Other names: c.3731C>A, p.Thr1244Asn (NM_000296.4); short protein forms T1244N.
Identifiers: ClinVar variation 5005536 (VCV005005536.2).

ClinVar aggregate classification (germline): Uncertain significance (1 of 4 stars; one submission).

Conditions:
Polycystic kidney disease, adult type (PKD1). Also called: POLYCYSTIC KIDNEY DISEASE, ADULT, TYPE I; Polycystic Kidney, Autosomal Dominant; Polycystic Kidney Disease 1, Autosomal Dominant; Polycystic kidney disease 1; Polycystic kidney disease 1, severe; POLYCYSTIC KIDNEY DISEASE 1 WITH OR WITHOUT POLYCYSTIC LIVER DISEASE. Identifiers: MedGen C3149841, MONDO:0008263, OMIM 173900.

gnomAD v4.1: 4 of 1,611,814 alleles (0.00025%); highest among the groups gnomAD compares: East Asian, 0.0089%; no homozygotes.

Submission:

Juno Genomics, Hangzhou Juno Genomics, Inc
Classification: Uncertain significance for Polycystic kidney disease, adult type. Review status: criteria provided, single submitter. Criteria: ACMG Guidelines, 2015. Collection method: clinical testing. Allele origin: germline.
Comment: Absent from controls (or at extremely low frequency if recessive) in Genome Aggregation Database.;Multiple lines of computational evidence suggest no impact on gene or gene product.